The following is an entry in ClinVar:

ClinVar aggregate classification (germline): Uncertain significance (1 of 4 stars; one submission).

Allele frequency attached by ClinVar (database versions not stated): gnomAD 0.00001.

Submission:

Labcorp Genetics (formerly Invitae), Labcorp
Classification: Uncertain significance. Last evaluated: 2022-08-24. Review status: criteria provided, single submitter. Criteria: Invitae Variant Classification Sherloc (09022015). Collection method: clinical testing. Allele origin: germline.
Comment: In summary, the available evidence is currently insufficient to determine the role of this variant in disease. Therefore, it has been classified as a Variant of Uncertain Significance. Algorithms developed to predict the effect of missense changes on protein structure and function (SIFT, PolyPhen-2, Align-GVGD) all suggest that this variant is likely to be tolerated. This variant has not been reported in the literature in individuals affected with CHD8-related conditions. This variant is present in population databases (rs780262337, gnomAD 0.0009%). This sequence change replaces proline, which is neutral and non-polar, with alanine, which is neutral and non-polar, at codon 1973 of the CHD8 protein (p.Pro1973Ala).

NM_001170629.2(CHD8):c.5917C>G (p.Pro1973Ala)

Gene: CHD8 (chromodomain helicase DNA binding protein 8; minus strand). Cytogenetic location: 14q11.2.
Variant type: single nucleotide variant.
Coding change: c.5917C>G on transcript NM_001170629.2 (MANE Select); coding-DNA position 5917, C replaced by G.
Protein change: p.Pro1973Ala; replaces proline 1973 with alanine.
Molecular consequence: missense variant.
Genome position (GRCh38, 1-based): chr14:21,393,878, G>C on the plus strand (C>G on the coding strand, the complement: CHD8 is on the minus strand). VCF-style: chr14-21393878-G-C. GRCh37 (hg19) VCF-style: chr14-21862037-G-C.
Other names: c.5080C>G, p.Pro1694Ala (NM_020920.4); short protein forms P1694A, P1973A.
Identifiers: ClinVar variation 1946791 (VCV001946791.5), dbSNP rs780262337, ClinGen allele CA7090869.